The following is an entry in ClinVar:

NM_021942.6(TRAPPC11):c.1532A>G (p.Asp511Gly)

Gene: TRAPPC11 (trafficking protein particle complex subunit 11; plus strand). Cytogenetic location: 4q35.1.
Variant type: single nucleotide variant.
Coding change: c.1532A>G on transcript NM_021942.6 (MANE Select); coding-DNA position 1532, A replaced by G.
Protein change: p.Asp511Gly; replaces aspartic acid 511 with glycine.
Molecular consequence: missense variant.
Genome position (GRCh38, 1-based): chr4:183,684,806, A>G. VCF-style: chr4-183684806-A-G. GRCh37 (hg19) VCF-style: chr4-184605959-A-G.
Other names: c.1532A>G, p.Asp511Gly (NM_199053.3); short protein forms D511G.
Identifiers: ClinVar variation 1923278 (VCV001923278.2), dbSNP rs2476873124, ClinGen allele CA358867587.
Genomic context (GRCh38, chr4:183,684,806, plus strand): 5'-TGCTCACTTCTGTATTAACTACAGCTCTGAAGTGCTCCTACCTCATGGCCCAATTAAAGG[A>G]TTACATTACTTACTCCCTAGAACTCCTTGGTAGAGGTAACCTGATGTTTTTTGAGTAAAA-3'
Protein context (NP_068761.4, residues 501-521): KCSYLMAQLK[Asp511Gly]YITYSLELLG

ClinVar aggregate classification (germline): Uncertain significance (1 of 4 stars; one submission).

Conditions:
Autosomal recessive limb-girdle muscular dystrophy type R18 (LGMDR18). Also called: MUSCULAR DYSTROPHY, LIMB-GIRDLE, AUTOSOMAL RECESSIVE 18; Autosomal recessive limb-girdle muscular dystrophy type 2S; Limb-girdle muscular dystrophy, type 2S. Identifiers: Orphanet 369840, MedGen C4517996, MONDO:0014144, OMIM 615356.

Submission:

Labcorp Genetics (formerly Invitae), Labcorp
Classification: Uncertain significance for Autosomal recessive limb-girdle muscular dystrophy type R18. Last evaluated: 2022-10-03. Review status: criteria provided, single submitter. Criteria: Invitae Variant Classification Sherloc (09022015). Collection method: clinical testing. Allele origin: germline.
Comment: This sequence change replaces aspartic acid, which is acidic and polar, with glycine, which is neutral and non-polar, at codon 511 of the TRAPPC11 protein (p.Asp511Gly). This variant is not present in population databases (gnomAD no frequency). This variant has not been reported in the literature in individuals affected with TRAPPC11-related conditions. Advanced modeling of protein sequence and biophysical properties (such as structural, functional, and spatial information, amino acid conservation, physicochemical variation, residue mobility, and thermodynamic stability) performed at Invitae indicates that this missense variant is expected to disrupt TRAPPC11 protein function. In summary, the available evidence is currently insufficient to determine the role of this variant in disease. Therefore, it has been classified as a Variant of Uncertain Significance.